The following is an entry in ClinVar:

ClinVar aggregate classification (germline): Likely benign (0 of 4 stars; one submission).

Conditions:
PLXNA3-related disorder. Also called: PLXNA3-related condition.

gnomAD v4.1: 10 of 1,208,144 alleles (0.00083%); highest among the groups gnomAD compares: Admixed American, 0.011%; no homozygotes.

Submission:

PreventionGenetics, part of Exact Sciences
Classification: Likely benign for PLXNA3-related condition. Last evaluated: 2021-12-20. Review status: no assertion criteria provided. Collection method: clinical testing. Allele origin: germline.
Comment: This variant is classified as likely benign based on ACMG/AMP sequence variant interpretation guidelines (Richards et al. 2015 PMID: 25741868, with internal and published modifications).

NM_017514.5(PLXNA3):c.45G>A (p.Gly15=)

Gene: PLXNA3 (plexin A3; plus strand). Cytogenetic location: Xq28.
Variant type: single nucleotide variant.
Coding change: c.45G>A on transcript NM_017514.5 (MANE Select); coding-DNA position 45, G replaced by A.
Protein change: p.Gly15=; no amino-acid change (glycine 15 retained).
Molecular consequence: synonymous variant.
Genome position (GRCh38, 1-based): chrX:154,460,228, G>A. VCF-style: chrX-154460228-G-A. GRCh37 (hg19) VCF-style: chrX-153688568-G-A.
Identifiers: ClinVar variation 3355653 (VCV003355653.1).